The following is an entry in ClinVar:

NM_001282874.2(SMARCA1):c.775C>G (p.Arg259Gly)

Gene: SMARCA1 (SNF2 related chromatin remodeling ATPase 1; minus strand). Cytogenetic location: Xq26.1.
Variant type: single nucleotide variant.
Coding change: c.775C>G on transcript NM_001282874.2 (MANE Select); coding-DNA position 775, C replaced by G.
Protein change: p.Arg259Gly; replaces arginine 259 with glycine.
Molecular consequence: missense variant.
Genome position (GRCh38, 1-based): chrX:129,511,839, G>C on the plus strand (C>G on the coding strand, the complement: SMARCA1 is on the minus strand). VCF-style: chrX-129511839-G-C. GRCh37 (hg19) VCF-style: chrX-128645816-G-C.
Other names: c.775C>G, p.Arg259Gly (NM_001282875.2, NM_001378261.1, NM_001378262.1 and 3 more transcripts); short protein forms R259G.
Identifiers: ClinVar variation 3901144 (VCV003901144.1).
Genomic context (GRCh38, chrX:129,511,839, plus strand): 5'-CTTTTTACACTTGTTTCTCACTTACTCTGGCATCCTTGTCTCCGACAAAACAAATGACAC[G>C]GAGAGATGGGACCCATCGTTTAAATTCATTCATCCAGTTGTGTAAAGTAGACTTTGGAAC-3'
Protein context (NP_001269803.1, residues 249-269): NEFKRWVPSL[Arg259Gly]VICFVGDKDA

ClinVar aggregate classification (germline): Uncertain significance (1 of 4 stars; one submission).

Conditions:
Neurodevelopmental disorder. Identifiers: MedGen C1535926, MeSH D065886, MONDO:0700092.

Submission:

Developmental Brain Disorders Lab, Seattle Children's Hospital
Classification: Uncertain significance for Neurodevelopmental disorder. Last evaluated: 2025-05-01. Review status: criteria provided, single submitter. Criteria: ACMG Guidelines, 2015. Collection method: research. Allele origin: maternal. Affected: yes.
Comment: This is a missense variant that is absent in gnomAD v4.1.0. It is predicted to have a deleterious effect through computational prediction tools. It meets ACMG variant classification criteria (PM2, PP3) (PMID:25741868)